The following is an entry in ClinVar:

NM_025137.4(SPG11):c.4302_4308dup (p.Glu1437fs)

Genes: SPG11 (SPG11 vesicle trafficking associated, spatacsin; minus strand), LOC130056973 (ATAC-STARR-seq lymphoblastoid active region 9341; plus strand). Cytogenetic location: 15q21.1.
Variant type: Duplication.
Coding change: c.4302_4308dup on transcript NM_025137.4 (MANE Select); coding-DNA positions 4302 to 4308, 7 bases duplicated (CAAACAA; older notation c.4302_4308dupCAAACAA).
Protein change: p.Glu1437fs; shifts the reading frame from glutamic acid 1437.
Molecular consequence: frameshift variant.
Genome position (GRCh38, 1-based): chr15:44,596,209-44,596,215, TTGTTTG duplicated on the plus strand (CAAACAA on the coding strand, the reverse complement: SPG11 is on the minus strand). VCF-style (leftmost placement, unchanged base first): chr15-44596208-C-CTTGTTTG. GRCh37 (hg19) VCF-style: chr15-44888406-C-CTTGTTTG.
Other names: c.4302_4308dup, p.Glu1437fs (NM_001160227.2, NM_001411132.1); short protein forms E1437fs.
Identifiers: ClinVar variation 3653609 (VCV003653609.2).

ClinVar aggregate classification (germline): Pathogenic (1 of 4 stars; one submission).

Conditions:
Hereditary spastic paraplegia 11. Also called: Nakamura Osame syndrome; Autosomal recessive hereditary spastic paraplegia, mental impairment, and thin corpus callosum; SPASTIC PARAPLEGIA, AUTOSOMAL RECESSIVE, COMPLICATED, WITH THIN CORPUS CALLOSUM; SPASTIC PARAPLEGIA, AUTOSOMAL RECESSIVE, WITH MENTAL IMPAIRMENT AND THIN CORPUS CALLOSUM; Spastic Paraplegia 11; Spastic paraplegia, mental retardation and thin corpus callosum. Identifiers: Orphanet 2822, MedGen C1858479, MONDO:0011445, OMIM 604360.

Submission:

Labcorp Genetics (formerly Invitae), Labcorp
Classification: Pathogenic for Hereditary spastic paraplegia 11. Last evaluated: 2025-11-24. Review status: criteria provided, single submitter. Criteria: Invitae Variant Classification Sherloc (09022015). Collection method: clinical testing. Allele origin: germline.
Comment: This sequence change creates a premature translational stop signal (p.Glu1437Glnfs*9) in the SPG11 gene. It is expected to result in an absent or disrupted protein product. Loss-of-function variants in SPG11 are known to be pathogenic (PMID: 19105190, 20110243, 22154821, 26556829). This variant is not present in population databases (gnomAD no frequency). This variant has not been reported in the literature in individuals affected with SPG11-related conditions. ClinVar contains an entry for this variant (Variation ID: 3653609). For these reasons, this variant has been classified as Pathogenic.

Literature cited by the submitters: PubMed 19105190; PubMed 20110243; PubMed 22154821; PubMed 26556829.